The following is an entry in ClinVar:

ClinVar aggregate classification (germline): Uncertain significance (1 of 4 stars; one submission).

Conditions:
Early Myoclonic Encephalopathy. Identifiers: MedGen C0270855.

Allele frequency attached by ClinVar (database versions not stated): gnomAD exomes 0.00001 and 0.00002; ExAC 0.00003; TOPMed below 0.00001; gnomAD 0.00001.
gnomAD v4.1: 10 of 1,613,756 alleles (0.00062%); highest among the groups gnomAD compares: Admixed American, 0.005%; no homozygotes.

Submission:

Labcorp Genetics (formerly Invitae), Labcorp
Classification: Uncertain significance for Early Myoclonic Encephalopathy. Last evaluated: 2020-01-20. Review status: criteria provided, single submitter. Criteria: Invitae Variant Classification Sherloc (09022015). Collection method: clinical testing. Allele origin: germline.
Comment: In summary, the available evidence is currently insufficient to determine the role of this variant in disease. Therefore, it has been classified as a Variant of Uncertain Significance. Algorithms developed to predict the effect of missense changes on protein structure and function are either unavailable or do not agree on the potential impact of this missense change (SIFT: "Deleterious"; PolyPhen-2: "Possibly Damaging"; Align-GVGD: "Class C0"). This variant has not been reported in the literature in individuals with JMJD1C-related conditions. This variant is present in population databases (rs776243913, ExAC 0.02%). This sequence change replaces serine with asparagine at codon 1061 of the JMJD1C protein (p.Ser1061Asn). The serine residue is moderately conserved and there is a small physicochemical difference between serine and asparagine.

NM_032776.3(JMJD1C):c.3182G>A (p.Ser1061Asn)

Gene: JMJD1C (jumonji domain containing 1C; minus strand). Cytogenetic location: 10q21.3.
Variant type: single nucleotide variant.
Coding change: c.3182G>A on transcript NM_032776.3 (MANE Select); coding-DNA position 3182, G replaced by A.
Protein change: p.Ser1061Asn; replaces serine 1061 with asparagine.
Molecular consequence: missense variant. On other transcripts: non-coding transcript variant (1).
Genome position (GRCh38, 1-based): chr10:63,208,487, C>T on the plus strand (G>A on the coding strand, the complement: JMJD1C is on the minus strand). VCF-style: chr10-63208487-C-T. GRCh37 (hg19) VCF-style: chr10-64968247-C-T.
Other names: c.2636G>A, p.Ser879Asn (NM_001282948.2, NM_001318154.2); c.2318G>A, p.Ser773Asn (NM_001318153.2); c.3068G>A, p.Ser1023Asn (NM_001322252.2); c.2525G>A, p.Ser842Asn (NM_001322254.2, NM_001322258.2); short protein forms S773N, S842N, S1023N, S1061N, S879N.
Identifiers: ClinVar variation 954873 (VCV000954873.9), dbSNP rs776243913, ClinGen allele CA5518478.
Genomic context (GRCh38, chr10:63,208,487, plus strand): 5'-TTCATTTTATAAAGATCTGATACTGAGCGTTCTACATCCATATCTTGTTTGATGATATGG[C>T]TTTTAGGACTGGAAGATGATGATGCCACTCTGGAATAATTCTCTCTCTCACCCTCAAGTC-3'
Protein context (NP_116165.1, residues 1051-1071): RVASSSSSPK[Ser1061Asn]HIIKQDMDVE